The following is an entry in ClinVar:

ClinVar aggregate classification (germline): Uncertain significance (1 of 4 stars; one submission).

Conditions:
Papillon-Lefèvre syndrome (PALS). Also called: KERATOSIS PALMOPLANTARIS WITH PERIODONTOPATHIA; Papillon-Lefevre Disease. Identifiers: Orphanet 678, MedGen C0030360, MONDO:0009490, OMIM 245000.

gnomAD v4.1: 6 of 1,544,052 alleles (0.00039%); highest among the groups gnomAD compares: Admixed American, 0.002%; no homozygotes.

Submission:

Illumina Laboratory Services, Illumina
Classification: Uncertain significance for Papillon-Lefèvre syndrome. Last evaluated: 2017-04-27. Review status: criteria provided, single submitter. Criteria: ICSL Variant Classification Criteria 13 December 2019. Collection method: clinical testing. Allele origin: germline.
Comment: This variant was observed as part of a predisposition screen in an ostensibly healthy population. A literature search was performed for the gene, cDNA change, and amino acid change (where applicable). Publications were found based on this search. However, the evidence from the literature, in combination with allele frequency data from public databases where available, was not sufficient to rule this variant in or out of causing disease. Therefore, this variant is classified as a variant of unknown significance.

Literature cited by the submitters: PubMed 23108224.

NM_001814.6(CTSC):c.-55C>T

Genes: CTSC (cathepsin C; minus strand), LOC130006572 (ATAC-STARR-seq lymphoblastoid active region 5382; plus strand). Cytogenetic location: 11q14.2.
Variant type: single nucleotide variant.
Coding change: c.-55C>T on transcript NM_001814.6 (MANE Select); 55 bases upstream of the start codon, C replaced by T.
Molecular consequence: 5 prime UTR variant.
Genome position (GRCh38, 1-based): chr11:88,337,727, G>A on the plus strand (C>T on the coding strand, the complement: CTSC is on the minus strand). VCF-style: chr11-88337727-G-A. GRCh37 (hg19) VCF-style: chr11-88070895-G-A.
Other names: c.-55C>T (NM_001114173.3, NM_148170.5).
Identifiers: ClinVar variation 882292 (VCV000882292.4), dbSNP rs766114323, ClinGen allele CA600767927.